The following is an entry in ClinVar:

ClinVar aggregate classification (germline): Uncertain significance (1 of 4 stars; one submission).

Conditions:
CYP7A1-related disorder. Also called: CYP7A1-related condition.

gnomAD v4.1: 3 of 1,607,472 alleles (0.00019%); highest among the groups gnomAD compares: Non-Finnish European, 0.00026%; no homozygotes.

Submission:

PreventionGenetics, part of Exact Sciences
Classification: Uncertain significance for CYP7A1-related condition. Last evaluated: 2025-03-03. Review status: criteria provided, single submitter. Criteria: ACMG Guidelines, 2015. Collection method: clinical testing. Allele origin: germline.
Comment: The CYP7A1 c.80+1G>T variant is predicted to disrupt the GT donor site and interfere with normal splicing. To our knowledge, this variant has not been reported in the literature or in a large population database (gnomAD), indicating this variant is rare. Splicing variants have not commonly been reported in the CYP7A1 gene. At this time, the clinical significance of this variant is uncertain due to the absence of conclusive functional and genetic evidence.

NM_000780.4(CYP7A1):c.80+1G>T

Genes: CYP7A1 (cytochrome P450 family 7 subfamily A member 1; minus strand), LOC110596866 (CYP7A1 5' regulatory region; plus strand). Cytogenetic location: 8q12.1.
Variant type: single nucleotide variant.
Coding change: c.80+1G>T on transcript NM_000780.4 (MANE Select); the canonical splice donor site of the intron after coding-DNA position 80, G replaced by T.
Molecular consequence: splice donor variant.
Genome position (GRCh38, 1-based): chr8:58,500,018, C>A on the plus strand (G>T on the coding strand, the complement: CYP7A1 is on the minus strand). VCF-style: chr8-58500018-C-A. GRCh37 (hg19) VCF-style: chr8-59412577-C-A.
Identifiers: ClinVar variation 4999140 (VCV004999140.1).
Genomic context (GRCh38, chr8:58,500,018, plus strand): 5'-TGAAGGTAAAAAAATTAAATGGATGAATCAAAGAGCAATTTAAAGATAAAACATTACTTA[C>A]CTTCTCCTAATTCCAAGAATAAGCCATAGACAACAGCATGCTGCTATAGCAATCCCCCAA-3'